The following is an entry in ClinVar:

NM_000077.5(CDKN2A):c.72G>T (p.Arg24=)

Gene: CDKN2A (cyclin dependent kinase inhibitor 2A; minus strand). Cytogenetic location: 9p21.3.
Variant type: single nucleotide variant.
Coding change: c.72G>T on transcript NM_000077.5; coding-DNA position 72, G replaced by T.
Protein change: p.Arg24=; no amino-acid change (arginine 24 retained).
Molecular consequence: synonymous variant (on NM_000077.6). On other transcripts: intron variant (2).
Genome position (GRCh38, 1-based): chr9:21,974,756, C>A on the plus strand (G>T on the coding strand, the complement: CDKN2A is on the minus strand). VCF-style: chr9-21974756-C-A. GRCh37 (hg19) VCF-style: chr9-21974755-C-A.
Other names: c.72G>T, p.Arg24= (NM_000077.6, NM_001195132.2, NM_058197.5); c.-3-3548G>T (NM_001363763.2); c.194-3548G>T (NM_058195.4).
Identifiers: ClinVar variation 463511 (VCV000463511.20), dbSNP rs1449870708, ClinGen allele CA464100167.

ClinVar aggregate classification (germline): Benign/Likely benign. Review status: criteria provided, multiple submitters, no conflicts (2 of 4 stars). 6 submissions from 6 submitters: Benign (1); Likely benign (5). Last evaluated 2026-01-26.

Conditions:
Familial melanoma. Also called: Hereditary melanoma; Hereditary cutaneous melanoma. Identifiers: Orphanet 618, MedGen C1512419, MONDO:0018961.
Melanoma-pancreatic cancer syndrome. Identifiers: Orphanet 404560, MedGen C1838547, MONDO:0011713, OMIM 606719. Disease mechanism: loss of function.
Hereditary cancer-predisposing syndrome. Also called: Hereditary neoplastic syndrome; Neoplastic Syndromes, Hereditary; Hereditary Cancer Syndrome; Tumor predisposition. Identifiers: Orphanet 140162, MedGen C0027672, MeSH D009386, MONDO:0015356.

gnomAD v4.1: 3 of 1,610,290 alleles (0.00019%); highest among the groups gnomAD compares: Non-Finnish European, 0.00025%; no homozygotes.

Submissions (6):

Labcorp Genetics (formerly Invitae), Labcorp
Classification: Likely benign for Familial melanoma. Last evaluated: 2026-01-26. Review status: criteria provided, single submitter. Criteria: Invitae Variant Classification Sherloc (09022015). Collection method: clinical testing. Allele origin: germline.

Myriad Genetics, Inc.
Classification: Benign for Melanoma-pancreatic cancer syndrome. Last evaluated: 2025-08-13. Review status: criteria provided, single submitter. Criteria: Myriad Autosomal Dominant, Autosomal Recessive and X-Linked Classification Criteria (2023). Collection method: clinical testing. Allele origin: unknown.
Comment: This variant is considered benign. This variant is a silent/synonymous amino acid change and it is not expected to impact splicing.

Quest Diagnostics Nichols Institute San Juan Capistrano
Classification: Likely benign. Last evaluated: 2025-04-07. Review status: criteria provided, single submitter. Criteria: Quest Diagnostics criteria. Collection method: clinical testing. Allele origin: unknown.

Color Diagnostics, LLC DBA Color Health
Classification: Likely benign for Hereditary cancer-predisposing syndrome. Last evaluated: 2019-04-17. Review status: criteria provided, single submitter. Criteria: ACMG Guidelines, 2015. Collection method: clinical testing. Allele origin: germline.

GeneDx
Classification: Likely benign. Last evaluated: 2018-03-21. Review status: criteria provided, single submitter. Criteria: GeneDx Variant Classification (06012015). Collection method: clinical testing. Allele origin: germline. Affected: yes.
Comment: This variant is considered likely benign or benign based on one or more of the following criteria: it is a conservative change, it occurs at a poorly conserved position in the protein, it is predicted to be benign by multiple in silico algorithms, and/or has population frequency not consistent with disease.

Ambry Genetics
Classification: Likely benign for Hereditary cancer-predisposing syndrome. Last evaluated: 2017-05-25. Review status: criteria provided, single submitter. Criteria: Ambry Variant Classification Scheme 2023. Collection method: clinical testing. Allele origin: germline.

Literature cited by the submitters: PubMed 36311816 (cited by Quest Diagnostics Nichols Institute San Juan Capistrano); PubMed 37537257 (cited by Quest Diagnostics Nichols Institute San Juan Capistrano).